The following is an entry in ClinVar:

ClinVar aggregate classification (germline): Uncertain significance (1 of 4 stars; one submission).

Submission:

Labcorp Genetics (formerly Invitae), Labcorp
Classification: Uncertain significance. Last evaluated: 2021-04-18. Review status: criteria provided, single submitter. Criteria: Invitae Variant Classification Sherloc (09022015). Collection method: clinical testing. Allele origin: germline.
Comment: This sequence change falls in intron 15 of the COL4A4 gene. It does not directly change the encoded amino acid sequence of the COL4A4 protein. It affects a nucleotide within the consensus splice site of the intron. This variant is not present in population databases (ExAC no frequency). This variant has not been reported in the literature in individuals with COL4A4-related conditions. Nucleotide substitutions within the consensus splice site are a relatively common cause of aberrant splicing (PMID: 17576681, 9536098). Algorithms developed to predict the effect of sequence changes on RNA splicing suggest that this variant may disrupt the consensus splice site, but this prediction has not been confirmed by published transcriptional studies. In summary, the available evidence is currently insufficient to determine the role of this variant in disease. Therefore, it has been classified as a Variant of Uncertain Significance.

Literature cited by the submitters: PubMed 17576681; PubMed 9536098.

NM_000092.5(COL4A4):c.930+4A>G

Gene: COL4A4 (collagen type IV alpha 4 chain; minus strand). Cytogenetic location: 2q36.3.
Variant type: single nucleotide variant.
Coding change: c.930+4A>G on transcript NM_000092.5 (MANE Select); 4 bases into the intron after coding-DNA position 930, A replaced by G.
Molecular consequence: intron variant.
Genome position (GRCh38, 1-based): chr2:227,102,785, T>C on the plus strand (A>G on the coding strand, the complement: COL4A4 is on the minus strand). VCF-style: chr2-227102785-T-C. GRCh37 (hg19) VCF-style: chr2-227967501-T-C.
Identifiers: ClinVar variation 1361354 (VCV001361354.6), dbSNP rs2150787463, ClinGen allele CA2573135438.
Genomic context (GRCh38, chr2:227,102,785, plus strand): 5'-TTTATAAAAACATGAAAGAGAAATATCTCCAAATTCACTGATGTTAACAGCAAATGATGC[T>C]TACCCGAGGCCCTGGAAATCCAGGAATACCTTTTTCTCCTTTTGCCCCAATACCAGATTC-3'